The following is an entry in ClinVar:

ClinVar aggregate classification (germline): Likely benign. Review status: criteria provided, multiple submitters, no conflicts (2 of 4 stars). 4 submissions from 4 submitters: Likely benign (3). 1 of the submissions does not count toward it. Last evaluated 2025-05-01.

Conditions:
KATNIP-related disorder. Also called: KATNIP-related condition.

Allele frequency attached by ClinVar (database versions not stated): gnomAD 0.00001; ExAC 0.00002; gnomAD exomes 0.00002 and 0.00003; TOPMed 0.00004.

Submissions (4):

CeGaT Center for Human Genetics Tuebingen
Classification: Likely benign. Last evaluated: 2025-05-01. Review status: criteria provided, single submitter. Criteria: CeGaT Center For Human Genetics Tuebingen Variant Classification Criteria Version 2. Collection method: clinical testing. Allele origin: germline. Affected: yes. Observed: 1 variant allele.
Comment: KATNIP: BP4, BP7

Blueprint Genetics
Classification: Likely benign. Last evaluated: 2024-07-12. Review status: criteria provided, single submitter. Criteria: ACMG Guidelines, 2015. Collection method: clinical testing. Allele origin: germline.

Labcorp Genetics (formerly Invitae), Labcorp
Classification: Likely benign. Last evaluated: 2022-03-20. Review status: criteria provided, single submitter. Criteria: Invitae Variant Classification Sherloc (09022015). Collection method: clinical testing. Allele origin: germline.

PreventionGenetics, part of Exact Sciences
Classification: Likely benign for KATNIP-related condition. Last evaluated: 2023-07-11. Review status: no assertion criteria provided. Collection method: clinical testing. Allele origin: germline. Not counted in ClinVar's aggregate classification.
Comment: This variant is classified as likely benign based on ACMG/AMP sequence variant interpretation guidelines (Richards et al. 2015 PMID: 25741868, with internal and published modifications).

NM_015202.5(KATNIP):c.1470G>A (p.Ser490=)

Genes: KATNIP (katanin interacting protein; plus strand), LOC100128079 (uncharacterized LOC100128079; minus strand). Cytogenetic location: 16p12.1.
Variant type: single nucleotide variant.
Coding change: c.1470G>A on transcript NM_015202.5 (MANE Select); coding-DNA position 1470, G replaced by A.
Protein change: p.Ser490=; no amino-acid change (serine 490 retained).
Molecular consequence: synonymous variant. On other transcripts: non-coding transcript variant (1).
Genome position (GRCh38, 1-based): chr16:27,708,785, G>A. VCF-style: chr16-27708785-G-A. GRCh37 (hg19) VCF-style: chr16-27720106-G-A.
Other names: c.1470G>A (NM_015202.3).
Identifiers: ClinVar variation 740532 (VCV000740532.21), dbSNP rs375213710, ClinGen allele CA7977715.